The following is an entry in ClinVar:

NM_001876.4(CPT1A):c.1165G>A (p.Val389Ile)

Genes: CPT1A (carnitine palmitoyltransferase 1A; minus strand), LOC126861244 (BRD4-independent group 4 enhancer GRCh37_chr11:68549035-68550234; plus strand). Cytogenetic location: 11q13.3.
Variant type: single nucleotide variant.
Coding change: c.1165G>A on transcript NM_001876.4 (MANE Select); coding-DNA position 1165, G replaced by A.
Protein change: p.Val389Ile; replaces valine 389 with isoleucine.
Molecular consequence: missense variant.
Genome position (GRCh38, 1-based): chr11:68,781,958, C>T on the plus strand (G>A on the coding strand, the complement: CPT1A is on the minus strand). VCF-style: chr11-68781958-C-T. GRCh37 (hg19) VCF-style: chr11-68549426-C-T.
Other names: c.1165G>A (NM_001876.3); c.1165G>A, p.Val389Ile (NM_001031847.3); short protein forms V389I.
Identifiers: ClinVar variation 2199202 (VCV002199202.2), dbSNP rs771036007, ClinGen allele CA6152375.

ClinVar aggregate classification (germline): Uncertain significance. Review status: criteria provided, multiple submitters, no conflicts (2 of 4 stars). 2 submissions from 2 submitters: Uncertain significance (2). Last evaluated 2024-03-25.

Conditions:
Inborn genetic diseases. Identifiers: MedGen C0950123, MeSH D030342.
Carnitine palmitoyl transferase 1A deficiency. Also called: Carnitine palmitoyltransferase type I deficiency; CPT I DEFICIENCY; CPT DEFICIENCY, HEPATIC, TYPE I; Carnitine palmitoyltransferase 1A deficiency; CPT deficiency, hepatic, type IA. Identifiers: Orphanet 156, MedGen C1829703, MONDO:0009705, OMIM 255120.

Allele frequency attached by ClinVar (database versions not stated): gnomAD exomes below 0.00001; gnomAD 0.00001; ExAC 0.00002; TOPMed 0.00003.
gnomAD v4.1: 13 of 1,614,022 alleles (0.00081%); highest among the groups gnomAD compares: East Asian, 0.013%; no homozygotes.

Submissions (2):

Ambry Genetics
Classification: Uncertain significance for Inborn genetic diseases. Last evaluated: 2024-03-25. Review status: criteria provided, single submitter. Criteria: Ambry Variant Classification Scheme 2023. Collection method: clinical testing. Allele origin: germline.

Labcorp Genetics (formerly Invitae), Labcorp
Classification: Uncertain significance for Carnitine palmitoyl transferase 1A deficiency. Last evaluated: 2022-04-20. Review status: criteria provided, single submitter. Criteria: Invitae Variant Classification Sherloc (09022015). Collection method: clinical testing. Allele origin: germline.
Comment: This sequence change replaces valine, which is neutral and non-polar, with isoleucine, which is neutral and non-polar, at codon 389 of the CPT1A protein (p.Val389Ile). This variant is present in population databases (rs771036007, gnomAD 0.03%). This variant has not been reported in the literature in individuals affected with CPT1A-related conditions. Algorithms developed to predict the effect of missense changes on protein structure and function output the following: SIFT: "Tolerated"; PolyPhen-2: "Benign"; Align-GVGD: "Class C0". The isoleucine amino acid residue is found in multiple mammalian species, which suggests that this missense change does not adversely affect protein function. In summary, the available evidence is currently insufficient to determine the role of this variant in disease. Therefore, it has been classified as a Variant of Uncertain Significance.